The following is an entry in ClinVar:

ClinVar aggregate classification (germline): Likely benign (1 of 4 stars; one submission).

Submission:

CeGaT Center for Human Genetics Tuebingen
Classification: Likely benign. Last evaluated: 2023-02-01. Review status: criteria provided, single submitter. Criteria: CeGaT Center For Human Genetics Tuebingen Variant Classification Criteria Version 2. Collection method: clinical testing. Allele origin: germline. Affected: yes. Observed: 1 variant allele.
Comment: ERCC6: PM2:Supporting, BP4, BP7

NM_000124.4(ERCC6):c.1005C>T (p.Leu335=)

Gene: ERCC6 (ERCC excision repair 6, chromatin remodeling factor; minus strand). Cytogenetic location: 10q11.23.
Variant type: single nucleotide variant.
Coding change: c.1005C>T on transcript NM_000124.4 (MANE Select); coding-DNA position 1005, C replaced by T.
Protein change: p.Leu335=; no amino-acid change (leucine 335 retained).
Molecular consequence: synonymous variant.
Genome position (GRCh38, 1-based): chr10:49,524,425, G>A on the plus strand (C>T on the coding strand, the complement: ERCC6 is on the minus strand). VCF-style: chr10-49524425-G-A. GRCh37 (hg19) VCF-style: chr10-50732471-G-A.
Other names: c.1005C>T, p.Leu335= (NM_001277058.2, NM_001277059.2, NM_001346440.2).
Identifiers: ClinVar variation 2640460 (VCV002640460.24), dbSNP rs1837259377, ClinGen allele CA469790931.